The following is an entry in ClinVar:

NM_003673.4(TCAP):c.122_125inv (p.His41_Glu42delinsLeuMet)

Gene: TCAP (titin-cap; plus strand). Cytogenetic location: 17q12.
Variant type: Inversion.
Coding change: c.122_125inv on transcript NM_003673.4 (MANE Select).
Protein change: p.His41_Glu42delinsLeuMet.
Molecular consequence: missense variant.
Genome position: GRCh38 VCF-style: chr17-39665727-ATGA-TCAT. GRCh37 (hg19) VCF-style: chr17-37821980-ATGA-TCAT.
Other names: c.122_125delATGAinsTCAT (NM_003673.3).
Identifiers: ClinVar variation 4841430 (VCV004841430.1).

ClinVar aggregate classification (germline): Uncertain significance (1 of 4 stars; one submission).

Conditions:
Cardiovascular phenotype. Identifiers: MedGen CN230736.

Submission:

Ambry Genetics
Classification: Uncertain significance for Cardiovascular phenotype. Last evaluated: 2026-01-06. Review status: criteria provided, single submitter. Criteria: Ambry Variant Classification Scheme 2023. Collection method: clinical testing. Allele origin: germline.
Comment: The c.122_125delATGAinsTCAT variant (also known as p.H41_E42delinsLM), located in coding exon 2 of the TCAP gene, results from an in-frame deletion of ATGA and insertion of TCAT at nucleotide positions 122 to 125. This results in the substitution of histidine and glutamic acid residues for leucine and methionine residues at codons 41 and 42. This amino acid region is not well conserved in available vertebrate species. In addition, this variant is predicted to be deleterious by in silico analysis (Choi Y et al. PLoS ONE. 2012; 7(10):e46688). Based on the available evidence, the clinical significance of this variant remains unclear.